The following is an entry in ClinVar:

ClinVar aggregate classification (germline): Likely pathogenic. Review status: criteria provided, single submitter (1 of 4 stars). 2 submissions from 2 submitters: Likely pathogenic (1). 1 of the submissions does not count toward it. Last evaluated 2025-09-02.

Conditions:
Biotinidase deficiency. Also called: Biotin deficiency; BTD deficiency; Late-onset biotin-responsive multiple carboxylase deficiency. Identifiers: Orphanet 79241, MedGen C0220754, MONDO:0009665, OMIM 253260.

Allele frequency attached by ClinVar (database versions not stated): gnomAD exomes below 0.00001.
gnomAD v4.1: 2 of 1,614,110 alleles (0.00012%); highest among the groups gnomAD compares: South Asian, 0.0022%; no homozygotes.

Submissions (2):

Labcorp Genetics (formerly Invitae), Labcorp
Classification: Likely pathogenic for Biotinidase deficiency. Last evaluated: 2025-09-02. Review status: criteria provided, single submitter. Criteria: Invitae Variant Classification Sherloc (09022015). Collection method: clinical testing. Allele origin: germline.
Comment: This sequence change falls in intron 2 of the BTD gene. It does not directly change the encoded amino acid sequence of the BTD protein. It affects a nucleotide within the consensus splice site. This variant is not present in population databases (gnomAD no frequency). This variant has been observed in individual(s) with biotinidase deficiency (internal data). In at least one individual the data is consistent with being in trans (on the opposite chromosome) from a pathogenic variant. ClinVar contains an entry for this variant (Variation ID: 1017712). Variants that disrupt the consensus splice site are a relatively common cause of aberrant splicing (PMID: 17576681, 9536098). Algorithms developed to predict the effect of sequence changes on RNA splicing suggest that this variant may disrupt the consensus splice site. In summary, the currently available evidence indicates that the variant is pathogenic, but additional data are needed to prove that conclusively. Therefore, this variant has been classified as Likely Pathogenic.

Natera, Inc.
Classification: Uncertain significance for Biotinidase deficiency. Last evaluated: 2020-07-23. Review status: no assertion criteria provided. Collection method: clinical testing. Allele origin: germline. Not counted in ClinVar's aggregate classification.

Literature cited by the submitters: PubMed 17576681 (cited by Labcorp Genetics (formerly Invitae), Labcorp); PubMed 9536098 (cited by Labcorp Genetics (formerly Invitae), Labcorp).

NM_001370658.1(BTD):c.249+5G>T

Gene: BTD (biotinidase; plus strand). Cytogenetic location: 3p25.1.
Variant type: single nucleotide variant.
Coding change: c.249+5G>T on transcript NM_001370658.1 (MANE Select); 5 bases into the intron after coding-DNA position 249, G replaced by T.
Molecular consequence: intron variant.
Genome position (GRCh38, 1-based): chr3:15,635,693, G>T. VCF-style: chr3-15635693-G-T. GRCh37 (hg19) VCF-style: chr3-15677200-G-T.
Other names: c.249+5G>T (NM_001407398.1, NM_001407370.1, NM_001407371.1 and 37 more transcripts); c.309+5G>T (NM_000060.4).
Identifiers: ClinVar variation 1017712 (VCV001017712.13), dbSNP rs2065329555, ClinGen allele CA1347641422.